The following is an entry in ClinVar:

ClinVar aggregate classification (germline): Pathogenic/Likely pathogenic. Review status: criteria provided, multiple submitters, no conflicts (2 of 4 stars). 6 submissions from 6 submitters: Pathogenic (4); Likely pathogenic (2). Last evaluated 2026-04-14.

Conditions:
ABCB11-related disorder. Also called: ABCB11-related condition.
Familial intrahepatic cholestasis. Identifiers: Orphanet 284385, MedGen CN296401, MONDO:0017290.
Benign recurrent intrahepatic cholestasis type 2 (BRIC2). Also called: Recurrent familial intrahepatic cholestasis 2. Identifiers: Orphanet 65682, Orphanet 99961, MedGen C2608083, MONDO:0011559, OMIM 605479.
Progressive familial intrahepatic cholestasis type 2. Identifiers: Orphanet 79304, MedGen C3489789, MONDO:0011156, OMIM 601847.

Allele frequency attached by ClinVar (database versions not stated): TOPMed below 0.00001; gnomAD exomes 0.00001.
gnomAD v4.1: 16 of 1,568,044 alleles (0.001%); highest among the groups gnomAD compares: Non-Finnish European, 0.0013%; no homozygotes.

Submissions (6):

Genomenon, Inc
Classification: Pathogenic for Familial intrahepatic cholestasis. Last evaluated: 2026-04-14. Review status: criteria provided, single submitter. Criteria: Genomenon Sequence Variant Interpretation Standards - Updated. Collection method: curation. Allele origin: germline. Affected: yes.
Comment: ABCB11 c.2343+1G>T is a canonical splice variant affecting the donor splice site of intron 19. It is predicted to affect mRNA splicing, leading to a deleterious effect on the ABCB11 protein. This variant has been observed in at least one proband with an ABCB11-related disorder (PMID:37471416;35780807;32087350;28924228;17452236;18395098;24991443). It is absent or not present at a significant frequency in gnomAD. In conclusion, we classify ABCB11 c.2343+1G>T as a pathogenic variant.

PreventionGenetics, part of Exact Sciences
Classification: Pathogenic for ABCB11-related condition. Last evaluated: 2026-02-05. Review status: criteria provided, single submitter. Criteria: ACMG Guidelines, 2015. Collection method: clinical testing. Allele origin: germline.
Comment: The ABCB11 c.2343+1G>T variant is predicted to disrupt the GT donor site and interfere with normal splicing. This variant has been reported with a second ABCB11 variant or in the homozygous state in individuals with familial progressive intrahepatic cholestasis (Scheimann et al. 2007. PubMed ID: 17452236; Tibesar et al. 2014. PubMed ID: 24991443). This variant has not been reported in a large population database (gnomAD), indicating this variant is rare. Variants that disrupt the consensus splice donor site in ABCB11 are expected to be pathogenic. This variant is interpreted as pathogenic.

Natera, Inc.
Classification: Pathogenic for Progressive familial intrahepatic cholestasis type 2. Last evaluated: 2025-09-04. Review status: criteria provided, single submitter. Criteria: Natera Variant Classification Schema (03/2026). Collection method: clinical testing. Allele origin: germline.
Comment: The c.2343+1G>T variant in ABCB11 is a canonical splice donor site variant predicted to affect pre-mRNA splicing, which may result in an abnormal transcript and altered protein product. This variant is expected to result in nonsense mediated decay, truncation, or a dysfunctional protein product. This variant is rare in the general population with a frequency below the threshold expected for the associated phenotype(s). This variant has been observed in one or more individuals affected with the associated recessive disease, as either homozygous or compound heterozygous with a second variant (PMID: 17452236, 18395098, 32087350). Given the available evidence, this variant is classified as Pathogenic.

Fulgent Genetics
Classification: Likely pathogenic for Progressive familial intrahepatic cholestasis type 2; Benign recurrent intrahepatic cholestasis type 2. Last evaluated: 2024-05-08. Review status: criteria provided, single submitter. Criteria: ACMG Guidelines, 2015. Collection method: clinical testing. Allele origin: germline.

Labcorp Genetics (formerly Invitae), Labcorp
Classification: Pathogenic. Last evaluated: 2023-08-02. Review status: criteria provided, single submitter. Criteria: Invitae Variant Classification Sherloc (09022015). Collection method: clinical testing. Allele origin: germline.
Comment: Disruption of this splice site has been observed in individuals with clinical features of progressive familial intrahepatic cholestasis (PMID: 16871584, 24991443). ClinVar contains an entry for this variant (Variation ID: 837780). Algorithms developed to predict the effect of sequence changes on RNA splicing suggest that this variant may disrupt the consensus splice site. For these reasons, this variant has been classified as Pathogenic. This sequence change affects a donor splice site in intron 19 of the ABCB11 gene. It is expected to disrupt RNA splicing. Variants that disrupt the donor or acceptor splice site typically lead to a loss of protein function (PMID: 16199547), and loss-of-function variants in ABCB11 are known to be pathogenic (PMID: 18395098, 20232290). This variant is not present in population databases (gnomAD no frequency).

GeneDx
Classification: Likely pathogenic. Last evaluated: 2020-12-31. Review status: criteria provided, single submitter. Criteria: GeneDx Variant Classification Process June 2021. Collection method: clinical testing. Allele origin: germline. Affected: yes.
Comment: Canonical splice site variant expected to result in aberrant splicing, although in the absence of functional evidence the actual effect of this sequence change is unknown; Observed with a pathogenic variant in individuals with progressive familial intrahepatic cholestasis in published literature, but it is not known whether the variants occurred on the same (in cis) or on different (in trans) chromosomes in some cases (Scheimann et al., 2007; Strautnieks et al., 2008); Not observed in large population cohorts (Lek et al., 2016); This variant is associated with the following publications: (PMID: 26689913, 18395098, 28924228, 17452236, 25525159, 24991443)

Literature cited by the submitters: PubMed 37471416 (cited by Genomenon, Inc); PubMed 35780807 (cited by Genomenon, Inc); PubMed 32087350 (cited by Genomenon, Inc and Natera, Inc.); PubMed 28924228 (cited by Genomenon, Inc); PubMed 17452236 (cited by Genomenon, Inc and Natera, Inc.); PubMed 18395098 (cited by 3 submitters); PubMed 24991443 (cited by Genomenon, Inc and Labcorp Genetics (formerly Invitae), Labcorp); PubMed 16871584 (cited by Labcorp Genetics (formerly Invitae), Labcorp); PubMed 16199547 (cited by Labcorp Genetics (formerly Invitae), Labcorp); PubMed 20232290 (cited by Labcorp Genetics (formerly Invitae), Labcorp).

NM_003742.4(ABCB11):c.2343+1G>T

Gene: ABCB11 (ATP binding cassette subfamily B member 11; minus strand). Cytogenetic location: 2q31.1.
Variant type: single nucleotide variant.
Coding change: c.2343+1G>T on transcript NM_003742.4 (MANE Select); the canonical splice donor site of the intron after coding-DNA position 2343, G replaced by T.
Molecular consequence: splice donor variant.
Genome position (GRCh38, 1-based): chr2:168,957,963, C>A on the plus strand (G>T on the coding strand, the complement: ABCB11 is on the minus strand). VCF-style: chr2-168957963-C-A. GRCh37 (hg19) VCF-style: chr2-169814473-C-A.
Identifiers: ClinVar variation 837780 (VCV000837780.19), dbSNP rs774411820, ClinGen allele CA59873809.